The following is an entry in ClinVar:

NM_002226.5(JAG2):c.2923T>C (p.Leu975=)

Gene: JAG2 (jagged canonical Notch ligand 2; minus strand). Cytogenetic location: 14q32.33.
Variant type: single nucleotide variant.
Coding change: c.2923T>C on transcript NM_002226.5 (MANE Select); coding-DNA position 2923, T replaced by C.
Protein change: p.Leu975=; no amino-acid change (leucine 975 retained).
Molecular consequence: synonymous variant.
Genome position (GRCh38, 1-based): chr14:105,145,760, A>G on the plus strand (T>C on the coding strand, the complement: JAG2 is on the minus strand). VCF-style: chr14-105145760-A-G. GRCh37 (hg19) VCF-style: chr14-105612097-A-G.
Other names: c.2809T>C, p.Leu937= (NM_145159.3).
Identifiers: ClinVar variation 3049995 (VCV003049995.12), dbSNP rs138843853, ClinGen allele CA7385414.
Genomic context (GRCh38, chr14:105,145,760, plus strand): 5'-CTGCAAGCTCAGATGCCACCAGGCCCCTCACCTGGGGCACGTGGTCACGGTTGAAATGCA[A>G]GGTGAGGCGGGCACAGTTATTGTCCAGGTGGCCGGAGCGTGGCAGGCAGGGGGTGCTCGG-3'
Protein context (NP_002217.3, residues 965-985): HLDNNCARLT[Leu975=]HFNRDHVPQG

ClinVar aggregate classification (germline): Likely benign. Review status: criteria provided, single submitter (1 of 4 stars). 2 submissions from 2 submitters: Likely benign (1). 1 of the submissions does not count toward it. Last evaluated 2025-05-01.

Conditions:
JAG2-related disorder. Also called: JAG2-related condition.

Allele frequency attached by ClinVar (database versions not stated): gnomAD exomes 0.00019; ExAC 0.00056; ESP Exome Variant Server 0.00069; 1000 Genomes Project 30x 0.00078; 1000 Genomes Project 0.00100; gnomAD 0.00131; TOPMed 0.00138.
gnomAD v4.1: 499 of 1,597,012 alleles (0.031%); highest among the groups gnomAD compares: Middle Eastern, 0.5%; 1 homozygote.

Submissions (2):

CeGaT Center for Human Genetics Tuebingen
Classification: Likely benign. Last evaluated: 2025-05-01. Review status: criteria provided, single submitter. Criteria: CeGaT Center For Human Genetics Tuebingen Variant Classification Criteria Version 2. Collection method: clinical testing. Allele origin: germline. Affected: yes. Observed: 1 variant allele.
Comment: JAG2: BP4, BP7

PreventionGenetics, part of Exact Sciences
Classification: Likely benign for JAG2-related condition. Last evaluated: 2024-05-09. Review status: no assertion criteria provided. Collection method: clinical testing. Allele origin: germline. Not counted in ClinVar's aggregate classification.
Comment: This variant is classified as likely benign based on ACMG/AMP sequence variant interpretation guidelines (Richards et al. 2015 PMID: 25741868, with internal and published modifications).